The following is an entry in ClinVar:

ClinVar aggregate classification (germline): Uncertain significance (1 of 4 stars; one submission).

Conditions:
Developmental delay, impaired speech, and behavioral abnormalities, with or without seizures (DEDISB). Identifiers: MedGen C5575272, MONDO:0859263, OMIM 619964.

gnomAD v4.1: 1 of 938,456 alleles (0.00011%); highest among the groups gnomAD compares: Non-Finnish European, 0.00018%; no homozygotes.

Submission:

OLLIN Analises Genomicas, OLLIN
Classification: Uncertain significance for Developmental delay, impaired speech, and behavioral abnormalities, with or without seizures. Last evaluated: 2026-02-13. Review status: criteria provided, single submitter. Criteria: ACMG Guidelines 2015 PMID 25741868. Collection method: clinical testing. Allele origin: germline. Observed: 1 variant allele.
Comment: PM2_P, BP4_M

NM_006421.5(ARFGEF1):c.5385+85C>T

Gene: ARFGEF1 (ARF guanine nucleotide exchange factor 1; minus strand). Cytogenetic location: 8q13.2.
Variant type: single nucleotide variant.
Coding change: c.5385+85C>T on transcript NM_006421.5 (MANE Select); 85 bases into the intron after coding-DNA position 5385, C replaced by T.
Molecular consequence: intron variant. On other transcripts: missense variant (2).
Genome position (GRCh38, 1-based): chr8:67,200,311, G>A on the plus strand (C>T on the coding strand, the complement: ARFGEF1 is on the minus strand). VCF-style: chr8-67200311-G-A. GRCh37 (hg19) VCF-style: chr8-68112546-G-A.
Other names: c.4852C>T, p.Leu1618Phe (NM_001413193.1); c.5470C>T, p.Leu1824Phe (NM_001413194.1); c.5367+85C>T (NM_001413186.1, NM_001413185.1, NM_001413189.1); c.5385+85C>T (NM_001413187.1, NM_001413184.1); c.4785+85C>T (NM_001413188.1, NM_001413197.1); c.3960+85C>T (NM_001413196.1); c.5379+85C>T (NM_001413190.1); c.5271+85C>T (NM_001413192.1); and 1 more; short protein forms L1618F, L1824F.
Identifiers: ClinVar variation 4814062 (VCV004814062.1).
Genomic context (GRCh38, chr8:67,200,311, plus strand): 5'-CACTGGTGGCTTTGCACAAGCAGCAGTGCAGCCTGGGCACTGCTTGATTCATCTCTGAGA[G>A]CTCTTGCACGGCGGCTCTGGGACCCCGCATCCCAATGCGAATTGGGCTAGAAATGTGGGG-3'